The following is an entry in ClinVar:

NM_002637.4(PHKA1):c.3622G>A (p.Ala1208Thr)

Gene: PHKA1 (phosphorylase kinase regulatory subunit alpha 1; minus strand). Cytogenetic location: Xq13.1.
Variant type: single nucleotide variant.
Coding change: c.3622G>A on transcript NM_002637.4 (MANE Select); coding-DNA position 3622, G replaced by A.
Protein change: p.Ala1208Thr; replaces alanine 1208 with threonine.
Molecular consequence: missense variant.
Genome position (GRCh38, 1-based): chrX:72,581,052, C>T on the plus strand (G>A on the coding strand, the complement: PHKA1 is on the minus strand). VCF-style: chrX-72581052-C-T. GRCh37 (hg19) VCF-style: chrX-71800902-C-T.
Other names: c.3583G>A, p.Ala1195Thr (NM_001122670.2); c.3406G>A, p.Ala1136Thr (NM_001172436.2); short protein forms A1208T, A1136T, A1195T.
Identifiers: ClinVar variation 1411150 (VCV001411150.6), dbSNP rs782814716, ClinGen allele CA10450419.

ClinVar aggregate classification (germline): Uncertain significance (1 of 4 stars; one submission).

Conditions:
Glycogen storage disease IXd (GSD9D). Also called: GSD IXd; Muscle Phosphorylase Kinase Deficiency. Identifiers: Orphanet 715, MedGen C1845151, MONDO:0010362, OMIM 300559.

Allele frequency attached by ClinVar (database versions not stated): ExAC 0.00001; gnomAD exomes 0.00001 and 0.00002; TOPMed 0.00001.
gnomAD v4.1: 8 of 1,210,429 alleles (0.00066%); highest among the groups gnomAD compares: South Asian, 0.0035%; no homozygotes.

Submission:

Labcorp Genetics (formerly Invitae), Labcorp
Classification: Uncertain significance for Glycogen storage disease IXd. Last evaluated: 2022-08-23. Review status: criteria provided, single submitter. Criteria: Invitae Variant Classification Sherloc (09022015). Collection method: clinical testing. Allele origin: germline.
Comment: Algorithms developed to predict the effect of missense changes on protein structure and function (SIFT, PolyPhen-2, Align-GVGD) all suggest that this variant is likely to be tolerated. In summary, the available evidence is currently insufficient to determine the role of this variant in disease. Therefore, it has been classified as a Variant of Uncertain Significance. ClinVar contains an entry for this variant (Variation ID: 1411150). This variant has not been reported in the literature in individuals affected with PHKA1-related conditions. The frequency data for this variant in the population databases is considered unreliable, as metrics indicate poor data quality at this position in the gnomAD database. This sequence change replaces alanine, which is neutral and non-polar, with threonine, which is neutral and polar, at codon 1208 of the PHKA1 protein (p.Ala1208Thr).